The following is an entry in ClinVar:

NM_007315.4(STAT1):c.850G>A (p.Glu284Lys)

Gene: STAT1 (signal transducer and activator of transcription 1; minus strand). Cytogenetic location: 2q32.2.
Variant type: single nucleotide variant.
Coding change: c.850G>A on transcript NM_007315.4 (MANE Select); coding-DNA position 850, G replaced by A.
Protein change: p.Glu284Lys; replaces glutamic acid 284 with lysine.
Molecular consequence: missense variant. On other transcripts: intron variant (1).
Genome position (GRCh38, 1-based): chr2:190,995,155, C>T on the plus strand (G>A on the coding strand, the complement: STAT1 is on the minus strand). VCF-style: chr2-190995155-C-T. GRCh37 (hg19) VCF-style: chr2-191859881-C-T.
Other names: c.850G>A, p.Glu284Lys (NM_001384880.1, NM_001384882.1, NM_001384886.1 and 4 more transcripts); c.856G>A, p.Glu286Lys (NM_001384881.1, NM_001384884.1); c.751G>A, p.Glu251Lys (NM_001384883.1); c.760G>A, p.Glu254Lys (NM_001384890.1); c.886G>A, p.Glu296Lys (NM_001384891.1); c.785+2701G>A (NM_001384885.1); short protein forms E284K, E251K, E254K, E286K, E296K.
Identifiers: ClinVar variation 827741 (VCV000827741.11), dbSNP rs1574657750, ClinGen allele CA349921904.

ClinVar aggregate classification (germline): Conflicting classifications of pathogenicity. Review status: criteria provided, conflicting classifications (1 of 4 stars). 2 submissions from 2 submitters: Likely pathogenic (1); Uncertain significance (1). Last evaluated 2019-12-13.

Conditions:
Inherited Immunodeficiency Diseases. Identifiers: MedGen C5197805, MeSH D000081207.
Immunodeficiency 31B. Also called: IMMUNODEFICIENCY 31B, MYCOBACTERIAL AND VIRAL INFECTIONS, AUTOSOMAL RECESSIVE; STAT1 DEFICIENCY, AUTOSOMAL RECESSIVE. Identifiers: Orphanet 391311, MedGen C3151088, MONDO:0013427, OMIM 613796.
Autoimmune enteropathy and endocrinopathy - susceptibility to chronic infections syndrome. Also called: Immunodeficiency 31C, autosomal dominant; Immunodeficiency 31C. Identifiers: Orphanet 391487, MedGen C3279990, MONDO:0013599, OMIM 614162.
Mendelian susceptibility to mycobacterial diseases due to partial STAT1 deficiency. Also called: IMMUNODEFICIENCY 31A, MYCOBACTERIOSIS, AUTOSOMAL DOMINANT; STAT1 DEFICIENCY, AUTOSOMAL DOMINANT; Immunodeficiency 31a. Identifiers: Orphanet 319595, MedGen C4013950, MONDO:0013956, OMIM 614892.

Submissions (2):

Labcorp Genetics (formerly Invitae), Labcorp
Classification: Uncertain significance for Mendelian susceptibility to mycobacterial diseases due to partial STAT1 deficiency; Immunodeficiency 31B; Autoimmune enteropathy and endocrinopathy - susceptibility to chronic infections syndrome. Last evaluated: 2019-12-13. Review status: criteria provided, single submitter. Criteria: Invitae Variant Classification Sherloc (09022015). Collection method: clinical testing. Allele origin: germline.
Comment: In summary, the available evidence is currently insufficient to determine the role of this variant in disease. Therefore, it has been classified as a Variant of Uncertain Significance. This variant disrupts the p.Glu284 amino acid residue in STAT1. Other variant(s) that disrupt this residue have been determined to be pathogenic (Invitae). This suggests that this residue is clinically significant, and that variants that disrupt this residue are likely to be disease-causing. Algorithms developed to predict the effect of missense changes on protein structure and function (SIFT, PolyPhen-2, Align-GVGD) all suggest that this variant is likely to be tolerated, but these predictions have not been confirmed by published functional studies and their clinical significance is uncertain. This variant has been observed in individual(s) with clinical features of chronic mucocutaneous candidiasis (Invitae). This variant is not present in population databases (ExAC no frequency). This sequence change replaces glutamic acid with lysine at codon 284 of the STAT1 protein (p.Glu284Lys). The glutamic acid residue is highly conserved and there is a small physicochemical difference between glutamic acid and lysine.

NIHR Bioresource Rare Diseases, University of Cambridge
Classification: Likely pathogenic for Inherited Immunodeficiency Diseases. Last evaluated: 2019-01-01. Review status: criteria provided, single submitter. Criteria: ACMG Guidelines, 2015. Collection method: research. Allele origin: germline. Affected: yes. Observed: 1 heterozygote.